The following is an entry in ClinVar:

ClinVar aggregate classification (germline): Pathogenic. Review status: criteria provided, multiple submitters, no conflicts (2 of 4 stars). 4 submissions from 4 submitters: Pathogenic (3). 1 of the submissions does not count toward it. Last evaluated 2024-09-27.

Conditions:
Lynch syndrome. Identifiers: Orphanet 144, MedGen C4552100, MONDO:0005835. Disease mechanism: loss of function.
Lynch syndrome 5 (LYNCH5). Also called: Hereditary non-polyposis colorectal cancer, type 5; Colorectal cancer, hereditary nonpolyposis, type 5. Identifiers: Orphanet 144, MedGen C1833477, MONDO:0013710, OMIM 614350. Disease mechanism: loss of function.
Hereditary nonpolyposis colorectal neoplasms. Identifiers: MedGen C0009405, MeSH D003123.

gnomAD v4.1: 1 of 1,614,078 alleles (0.000062%); highest among the groups gnomAD compares: Non-Finnish European, 0.000085%; no homozygotes.

Submissions (4):

All of Us Research Program, National Institutes of Health
Classification: Pathogenic for Lynch syndrome. Last evaluated: 2024-09-27. Review status: criteria provided, single submitter. Criteria: ACMG Guidelines, 2015. Collection method: clinical testing. Allele origin: germline. Inheritance: Autosomal dominant inheritance. Observed: 1 variant allele, 1 heterozygote.
Comment: The c.1739C>A variant in the MSH6 gene is located on the exon 4 and introduces a premature translation termination codon (p.Ser580*), resulting in an absent or disrupted protein product. The other protein termination codon variants located in the same exon (p.Tyr524*, p.Cys687*) have been interpreted as pathogenic by the expert panel (ClinVar ID: 89202, 89246). Loss-of-function variants of MSH6 are known to be pathogenic (PMID: 30376427, 18269114, 29345684). This variant has been reported in ClinVar (ID: 841555). The variant is rare (1/1614078 chromosomes) in general population according to gnomAD. Therefore, the c.1739C>A (p.Ser580*) variant in the MSH6 gene has been classified as pathogenic.

This study involves interpretation of variants in research participants for the purpose of population health screening. Participant phenotype was not available at the time of variant classification. Additional details can be found in publication PMID: 35346344, PMCID: PMC8962531

Labcorp Genetics (formerly Invitae), Labcorp
Classification: Pathogenic for Hereditary nonpolyposis colorectal neoplasms. Last evaluated: 2024-03-06. Review status: criteria provided, single submitter. Criteria: Invitae Variant Classification Sherloc (09022015). Collection method: clinical testing. Allele origin: germline.
Comment: This sequence change creates a premature translational stop signal (p.Ser580*) in the MSH6 gene. It is expected to result in an absent or disrupted protein product. Loss-of-function variants in MSH6 are known to be pathogenic (PMID: 18269114, 24362816). This variant is not present in population databases (gnomAD no frequency). This variant has not been reported in the literature in individuals affected with MSH6-related conditions. ClinVar contains an entry for this variant (Variation ID: 841555). For these reasons, this variant has been classified as Pathogenic.

Myriad Genetics, Inc.
Classification: Pathogenic for Lynch syndrome 5. Last evaluated: 2023-08-15. Review status: criteria provided, single submitter. Criteria: Myriad Autosomal Dominant, Autosomal Recessive and X-Linked Classification Criteria (2023). Collection method: clinical testing. Allele origin: unknown.
Comment: This variant is considered pathogenic. This variant creates a termination codon and is predicted to result in premature protein truncation.

Department of Pathology and Laboratory Medicine, Sinai Health System
Classification: Pathogenic. Review status: no assertion criteria provided. Collection method: clinical testing. Allele origin: unknown. Affected: yes. Study: The Canadian Open Genetics Repository (COGR). Not counted in ClinVar's aggregate classification.
Comment: The MSH6 p.Ser580* variant was not identified in the literature nor was it identified in the dbSNP, ClinVar, or UMD-LSDB databases. The variant was not identified in the following control databases: the Exome Aggregation Consortium (August 8th 2016) or the Genome Aggregation Database (Feb 27, 2017). The p.Ser580* variant leads to a premature stop codon at position 580 which is predicted to lead to a truncated or absent protein and loss of function. Loss of function variants of the MSH6 gene are an established mechanism of disease in Lynch syndrome and is the type of variant expected to cause the disorder. In summary, based on the above information, this variant meets our laboratoryâ€šÃ„Ã´s criteria to be classified as pathogenic.

Literature cited by the submitters: PubMed 18269114 (cited by All of Us Research Program, National Institutes of Health and Labcorp Genetics (formerly Invitae), Labcorp); PubMed 29345684 (cited by All of Us Research Program, National Institutes of Health); PubMed 30376427 (cited by All of Us Research Program, National Institutes of Health); PubMed 24362816 (cited by Labcorp Genetics (formerly Invitae), Labcorp).

NM_000179.3(MSH6):c.1739C>A (p.Ser580Ter)

Gene: MSH6 (mutS homolog 6; plus strand). Cytogenetic location: 2p16.3.
Variant type: single nucleotide variant.
Coding change: c.1739C>A on transcript NM_000179.3 (MANE Select); coding-DNA position 1739, C replaced by A.
Protein change: p.Ser580Ter; replaces serine 580 with a stop codon.
Molecular consequence: nonsense.
Genome position (GRCh38, 1-based): chr2:47,799,722, C>A. VCF-style: chr2-47799722-C-A. GRCh37 (hg19) VCF-style: chr2-48026861-C-A.
Other names: c.1349C>A, p.Ser450Ter (NM_001281492.2); c.833C>A, p.Ser278Ter (NM_001281493.2, NM_001281494.2); short protein forms S450*, S278*, S580*.
Identifiers: ClinVar variation 841555 (VCV000841555.11), dbSNP rs41295270, ClinGen allele CA346748830.
Genomic context (GRCh38, chr2:47,799,722, plus strand): 5'-TTGTTGATACTTCACTGGGAAAGTTTTTCATAGGTCAGTTTTCAGATGATCGCCATTGTT[C>A]GAGATTTAGGACTCTAGTGGCACACTATCCCCCAGTACAAGTTTTATTTGAAAAAGGAAA-3'